The following is an entry in ClinVar:

ClinVar aggregate classification (germline): Likely benign (1 of 4 stars; one submission).

Submission:

Molecular Diagnostic Laboratory for Inherited Cardiovascular Disease, Montreal Heart Institute
Classification: Likely benign. Last evaluated: 2025-04-09. Review status: criteria provided, single submitter. Criteria: ACMG Guidelines, 2015. Collection method: clinical testing. Allele origin: germline. Affected: no.
Comment: BS1;BP6

NM_001276345.2(TNNT2):c.98-4_98-3delinsT

Gene: TNNT2 (troponin T2, cardiac type; minus strand). Cytogenetic location: 1q32.1.
Variant type: Indel.
Coding change: c.98-4_98-3delinsT on transcript NM_001276345.2 (MANE Select); 4 bases into the intron before coding-DNA position 98 through 3 bases into the intron before coding-DNA position 98, CC replaced by T.
Molecular consequence: intron variant.
Genome position (GRCh38, 1-based): chr1:201,368,230-201,368,231, GG replaced by A on the plus strand (CC replaced by T on the coding strand, the reverse complement: TNNT2 is on the minus strand). VCF-style: chr1-201368230-GG-A. GRCh37 (hg19) VCF-style: chr1-201337358-GG-A.
Other names: c.68-4_68-3delinsT (NM_001406727.1, NM_001406724.1, NM_001406725.1 and 4 more transcripts); c.53-4_53-3delinsT (NM_001001432.3, NM_001406728.1); c.98-4_98-3delinsT (NM_001276346.2, NM_000364.4, NM_001406723.1).
Identifiers: ClinVar variation 3895073 (VCV003895073.1), dbSNP rs397516362.